The following is an entry in ClinVar:

NM_007167.4(ZMYM6):c.1341+10G>A

Gene: ZMYM6 (zinc finger MYM-type containing 6; minus strand). Cytogenetic location: 1p34.3.
Variant type: single nucleotide variant.
Coding change: c.1341+10G>A on transcript NM_007167.4 (MANE Select); 10 bases into the intron after coding-DNA position 1341, G replaced by A.
Molecular consequence: intron variant.
Genome position (GRCh38, 1-based): chr1:35,010,748, C>T on the plus strand (G>A on the coding strand, the complement: ZMYM6 is on the minus strand). VCF-style: chr1-35010748-C-T. GRCh37 (hg19) VCF-style: chr1-35476349-C-T.
Identifiers: ClinVar variation 3041202 (VCV003041202.2), dbSNP rs41266439, ClinGen allele CA756533.

ClinVar aggregate classification (germline): Benign (0 of 4 stars; one submission).

Conditions:
ZMYM6-related disorder. Also called: ZMYM6-related condition.

Allele frequency attached by ClinVar (database versions not stated): 1000 Genomes Project 30x 0.00859; 1000 Genomes Project 0.00938; ExAC 0.01798; ESP Exome Variant Server 0.01807.
gnomAD v4.1: 36,927 of 1,538,968 alleles (2.4%); highest among the groups gnomAD compares: Non-Finnish European, 2.8%; 496 homozygotes.

Submission:

PreventionGenetics, part of Exact Sciences
Classification: Benign for ZMYM6-related condition. Last evaluated: 2019-02-21. Review status: no assertion criteria provided. Collection method: clinical testing. Allele origin: germline.
Comment: This variant is classified as benign based on ACMG/AMP sequence variant interpretation guidelines (Richards et al. 2015 PMID: 25741868, with internal and published modifications).